The following is an entry in ClinVar:

ClinVar aggregate classification (germline): Uncertain significance (1 of 4 stars; one submission).

Conditions:
Cardiovascular phenotype. Identifiers: MedGen CN230736.

Submission:

Ambry Genetics
Classification: Uncertain significance for Cardiovascular phenotype. Last evaluated: 2026-07-02. Review status: criteria provided, single submitter. Criteria: Ambry Variant Classification Scheme 2023. Collection method: clinical testing. Allele origin: germline.
Comment: The p.I690F variant (also known as c.2068A>T) is located in coding exon 15 of the APOB gene. The isoleucine at codon 690 is replaced by phenylalanine, an amino acid with highly similar properties. This change occurs in the first base pair of coding exon 15. This amino acid position is conserved. In addition, this alteration is predicted to be tolerated by in silico analysis. Based on the available evidence, the clinical significance of this variant remains unclear.

NM_000384.3(APOB):c.2068A>T (p.Ile690Phe)

Gene: APOB (apolipoprotein B; minus strand). Cytogenetic location: 2p24.1.
Variant type: single nucleotide variant.
Coding change: c.2068A>T on transcript NM_000384.3 (MANE Select); coding-DNA position 2068, A replaced by T.
Protein change: p.Ile690Phe; replaces isoleucine 690 with phenylalanine.
Molecular consequence: missense variant.
Genome position (GRCh38, 1-based): chr2:21,026,964, T>A on the plus strand (A>T on the coding strand, the complement: APOB is on the minus strand). VCF-style: chr2-21026964-T-A. GRCh37 (hg19) VCF-style: chr2-21249836-T-A.
Other names: short protein forms I690F.
Identifiers: ClinVar variation 5027441 (VCV005027441.1).